The following is an entry in ClinVar:

NM_015915.5(ATL1):c.686C>G (p.Ala229Gly)

Gene: ATL1 (atlastin GTPase 1; plus strand). Cytogenetic location: 14q22.1.
Variant type: single nucleotide variant.
Coding change: c.686C>G on transcript NM_015915.5 (MANE Select); coding-DNA position 686, C replaced by G.
Protein change: p.Ala229Gly; replaces alanine 229 with glycine.
Molecular consequence: missense variant.
Genome position (GRCh38, 1-based): chr14:50,613,314, C>G. VCF-style: chr14-50613314-C-G. GRCh37 (hg19) VCF-style: chr14-51080032-C-G.
Other names: c.686C>G, p.Ala229Gly (NM_001127713.1, NM_181598.4); short protein forms A229G.
Identifiers: ClinVar variation 948267 (VCV000948267.11), dbSNP rs1454376300, ClinGen allele CA389671033.

ClinVar aggregate classification (germline): Uncertain significance. Review status: criteria provided, multiple submitters, no conflicts (2 of 4 stars). 3 submissions from 3 submitters: Uncertain significance (3). Last evaluated 2025-04-01.

Conditions:
Inborn genetic diseases. Identifiers: MedGen C0950123, MeSH D030342.
Hereditary spastic paraplegia 3A (SPG3A). Also called: Spastic paraplegia 3A, autosomal dominant; SPASTIC PARAPLEGIA 3, AUTOSOMAL DOMINANT; FAMILIAL SPASTIC PARAPLEGIA, AUTOSOMAL DOMINANT, 1; SPG3; STRUMPELL DISEASE; Spastic Paraplegia 3A. Identifiers: Orphanet 100984, MedGen C2931355, MONDO:0008437, OMIM 182600.

Allele frequency attached by ClinVar (database versions not stated): gnomAD exomes 0.00001 and 0.00002; TOPMed 0.00001; gnomAD 0.00002.
gnomAD v4.1: 27 of 1,613,070 alleles (0.0017%); highest among the groups gnomAD compares: East Asian, 0.011%; no homozygotes.

Submissions (3):

Ambry Genetics
Classification: Uncertain significance for Inborn genetic diseases. Last evaluated: 2025-04-01. Review status: criteria provided, single submitter. Criteria: Ambry Variant Classification Scheme 2023. Collection method: clinical testing. Allele origin: germline.

Labcorp Genetics (formerly Invitae), Labcorp
Classification: Uncertain significance for Hereditary spastic paraplegia 3A. Last evaluated: 2024-09-17. Review status: criteria provided, single submitter. Criteria: Invitae Variant Classification Sherloc (09022015). Collection method: clinical testing. Allele origin: germline.
Comment: This sequence change replaces alanine, which is neutral and non-polar, with glycine, which is neutral and non-polar, at codon 229 of the ATL1 protein (p.Ala229Gly). This variant is present in population databases (no rsID available, gnomAD 0.002%). This variant has not been reported in the literature in individuals affected with ATL1-related conditions. ClinVar contains an entry for this variant (Variation ID: 948267). Invitae Evidence Modeling of protein sequence and biophysical properties (such as structural, functional, and spatial information, amino acid conservation, physicochemical variation, residue mobility, and thermodynamic stability) indicates that this missense variant is not expected to disrupt ATL1 protein function with a negative predictive value of 80%. In summary, the available evidence is currently insufficient to determine the role of this variant in disease. Therefore, it has been classified as a Variant of Uncertain Significance.

Athena Diagnostics
Classification: Uncertain significance. Last evaluated: 2020-03-04. Review status: criteria provided, single submitter. Criteria: Athena Diagnostics Criteria. Collection method: clinical testing. Allele origin: unknown.